The following is an entry in ClinVar:

ClinVar aggregate classification (germline): Uncertain significance (1 of 4 stars; one submission).

Conditions:
Epileptic encephalopathy. Identifiers: MedGen C0543888, HP:0200134.

Allele frequency attached by ClinVar (database versions not stated): gnomAD exomes below 0.00001 and 0.00001; gnomAD 0.00001; TOPMed 0.00002.
gnomAD v4.1: 19 of 1,610,740 alleles (0.0012%); highest among the groups gnomAD compares: Admixed American, 0.005%; no homozygotes.

Submission:

Labcorp Genetics (formerly Invitae), Labcorp
Classification: Uncertain significance for Epileptic encephalopathy. Last evaluated: 2025-01-30. Review status: criteria provided, single submitter. Criteria: Invitae Variant Classification Sherloc (09022015). Collection method: clinical testing. Allele origin: germline.
Comment: This sequence change replaces arginine, which is basic and polar, with cysteine, which is neutral and slightly polar, at codon 468 of the FASN protein (p.Arg468Cys). The frequency data for this variant in the population databases is considered unreliable, as metrics indicate poor data quality at this position in the gnomAD database. This variant has not been reported in the literature in individuals affected with FASN-related conditions. ClinVar contains an entry for this variant (Variation ID: 531019). An algorithm developed to predict the effect of missense changes on protein structure and function (PolyPhen-2) suggests that this variant is likely to be disruptive. In summary, the available evidence is currently insufficient to determine the role of this variant in disease. Therefore, it has been classified as a Variant of Uncertain Significance.

NM_004104.5(FASN):c.1402C>T (p.Arg468Cys)

Gene: FASN (fatty acid synthase; minus strand). Cytogenetic location: 17q25.3.
Variant type: single nucleotide variant.
Coding change: c.1402C>T on transcript NM_004104.5 (MANE Select); coding-DNA position 1402, C replaced by T.
Protein change: p.Arg468Cys; replaces arginine 468 with cysteine.
Molecular consequence: missense variant.
Genome position (GRCh38, 1-based): chr17:82,091,312, G>A on the plus strand (C>T on the coding strand, the complement: FASN is on the minus strand). VCF-style: chr17-82091312-G-A. GRCh37 (hg19) VCF-style: chr17-80049188-G-A.
Other names: short protein forms R468C.
Identifiers: ClinVar variation 531019 (VCV000531019.7), dbSNP rs1033326712, ClinGen allele CA295137652.